The following is an entry in ClinVar:

NM_003072.5(SMARCA4):c.2833G>A (p.Ala945Thr)

Gene: SMARCA4 (SWI/SNF related BAF chromatin remodeling complex subunit ATPase 4; plus strand). Cytogenetic location: 19p13.2.
Variant type: single nucleotide variant.
Coding change: c.2833G>A on transcript NM_003072.5 (MANE Select); coding-DNA position 2833, G replaced by A.
Protein change: p.Ala945Thr; replaces alanine 945 with threonine.
Molecular consequence: missense variant. On other transcripts: non-coding transcript variant (1).
Genome position (GRCh38, 1-based): chr19:11,021,941, G>A. VCF-style: chr19-11021941-G-A. GRCh37 (hg19) VCF-style: chr19-11132617-G-A.
Other names: c.2833G>A, p.Ala945Thr (NM_001128844.3, NM_001128845.2, NM_001128846.2 and 5 more transcripts); short protein forms A945T.
Identifiers: ClinVar variation 1429018 (VCV001429018.8), dbSNP rs1445478818, ClinGen allele CA404056948.
Genomic context (GRCh38, chr19:11,021,941, plus strand): 5'-CTCAACTTCCTGCTGCCCACCATCTTCAAGAGCTGCAGCACCTTCGAGCAGTGGTTTAAC[G>A]CACCCTTTGCCATGACCGGGGAAAAGGTGGGTTTGCCCAGCTGTGCCCATGCTGACGGTT-3'
Protein context (NP_003063.2, residues 935-955): SCSTFEQWFN[Ala945Thr]PFAMTGEKVD

ClinVar aggregate classification (germline): Uncertain significance. Review status: criteria provided, multiple submitters, no conflicts (2 of 4 stars). 2 submissions from 2 submitters: Uncertain significance (2). Last evaluated 2023-01-31.

Conditions:
Hereditary cancer-predisposing syndrome. Also called: Tumor predisposition; Hereditary neoplastic syndrome; Neoplastic Syndromes, Hereditary; Hereditary Cancer Syndrome. Identifiers: Orphanet 140162, MedGen C0027672, MeSH D009386, MONDO:0015356.
Rhabdoid tumor predisposition syndrome 2 (RTPS2). Identifiers: Orphanet 231108, Orphanet 69077, MedGen C2750074, MONDO:0013224, OMIM 613325.

Allele frequency attached by ClinVar (database versions not stated): gnomAD exomes below 0.00001.
gnomAD v4.1: 1 of 1,612,734 alleles (0.000062%); highest among the groups gnomAD compares: South Asian, 0.0011%; no homozygotes.

Submissions (2):

Labcorp Genetics (formerly Invitae), Labcorp
Classification: Uncertain significance for Rhabdoid tumor predisposition syndrome 2. Last evaluated: 2023-01-31. Review status: criteria provided, single submitter. Criteria: Invitae Variant Classification Sherloc (09022015). Collection method: clinical testing. Allele origin: germline.
Comment: Algorithms developed to predict the effect of missense changes on protein structure and function (SIFT, PolyPhen-2, Align-GVGD) all suggest that this variant is likely to be disruptive. ClinVar contains an entry for this variant (Variation ID: 1429018). This variant has not been reported in the literature in individuals affected with SMARCA4-related conditions. This variant is present in population databases (no rsID available, gnomAD 0.003%). This sequence change replaces alanine, which is neutral and non-polar, with threonine, which is neutral and polar, at codon 945 of the SMARCA4 protein (p.Ala945Thr). In summary, the available evidence is currently insufficient to determine the role of this variant in disease. Therefore, it has been classified as a Variant of Uncertain Significance.

Ambry Genetics
Classification: Uncertain significance for Hereditary cancer-predisposing syndrome. Last evaluated: 2022-05-25. Review status: criteria provided, single submitter. Criteria: Ambry Variant Classification Scheme 2023. Collection method: clinical testing. Allele origin: germline.
Comment: The p.A945T variant (also known as c.2833G>A), located in coding exon 18 of the SMARCA4 gene, results from a G to A substitution at nucleotide position 2833. The alanine at codon 945 is replaced by threonine, an amino acid with similar properties. This amino acid position is highly conserved in available vertebrate species. In addition, the in silico prediction for this alteration is inconclusive. Missense and in-frame variants in SMARCA4 are known to cause neurodevelopmental disorders; however, such associations with rhabdoid tumor predisposition syndrome including small cell carcinoma of the ovary-hypercalcemic type (SCCOHT) are exceedingly rare (Kosho T et al. Am J Med Genet C Semin Med Genet. 2014 Sep;166C(3):262-75; Jelinic P et al. Nat Genet. 2014 May;46(5):424-6). Since supporting evidence is limited at this time, the clinical significance of this alteration remains unclear.